The following is an entry in ClinVar:

ClinVar aggregate classification (germline): Uncertain significance (1 of 4 stars; one submission).

gnomAD v4.1: 2 of 1,609,722 alleles (0.00012%); highest among the groups gnomAD compares: East Asian, 0.0045%; no homozygotes.

Submission:

GeneDx
Classification: Uncertain significance. Last evaluated: 2023-07-05. Review status: criteria provided, single submitter. Criteria: GeneDx Variant Classification Process June 2021. Collection method: clinical testing. Allele origin: germline. Affected: yes.
Comment: Not observed at significant frequency in large population cohorts (gnomAD); In silico analysis supports that this missense variant has a deleterious effect on protein structure/function; Has not been previously published as pathogenic or benign to our knowledge

NM_024996.7(GFM1):c.1511A>G (p.Tyr504Cys)

Gene: GFM1 (G elongation factor mitochondrial 1; plus strand). Cytogenetic location: 3q25.32.
Variant type: single nucleotide variant.
Coding change: c.1511A>G on transcript NM_024996.7 (MANE Select); coding-DNA position 1511, A replaced by G.
Protein change: p.Tyr504Cys; replaces tyrosine 504 with cysteine.
Molecular consequence: missense variant. On other transcripts: non-coding transcript variant (4).
Genome position (GRCh38, 1-based): chr3:158,665,467, A>G. VCF-style: chr3-158665467-A-G. GRCh37 (hg19) VCF-style: chr3-158383256-A-G.
Other names: c.1568A>G, p.Tyr523Cys (NM_001308164.2); c.1511A>G, p.Tyr504Cys (NM_001308166.2); c.1430A>G, p.Tyr477Cys (NM_001374355.1); c.1394A>G, p.Tyr465Cys (NM_001374356.1); c.1286A>G, p.Tyr429Cys (NM_001374357.1); c.1052A>G, p.Tyr351Cys (NM_001374358.1); c.944A>G, p.Tyr315Cys (NM_001374359.1, NM_001374360.1); c.827A>G, p.Tyr276Cys (NM_001374361.1); short protein forms Y276C, Y315C, Y351C, Y429C, Y465C, Y477C, Y504C, Y523C.
Identifiers: ClinVar variation 3360294 (VCV003360294.1).